The following is an entry in ClinVar:

ClinVar aggregate classification (germline): Conflicting classifications of pathogenicity. Review status: criteria provided, conflicting classifications (1 of 4 stars). 10 submissions from 10 submitters: Uncertain significance (8); Likely benign (2). Last evaluated 2025-10-29.

Conditions:
Isolated focal cortical dysplasia type II (FCORD2). Also called: CORTICAL DYSPLASIA OF TAYLOR; Focal cortical dysplasia type II. Identifiers: Orphanet 268994, MedGen C1846385, MONDO:0011818, OMIM 607341, HP:0032051.
Lymphangiomyomatosis (LAM). Also called: Lymphangioleiomyomatosis, somatic; Lymphangioleiomyomatosis. Identifiers: Orphanet 538, MedGen C0751674, MONDO:0011705, OMIM 606690.
Tuberous sclerosis 2 (TSC2). Identifiers: Orphanet 805, MedGen C1860707, MONDO:0013199, OMIM 613254.
Hereditary cancer-predisposing syndrome. Also called: Neoplastic Syndromes, Hereditary; Hereditary neoplastic syndrome; Hereditary Cancer Syndrome; Tumor predisposition. Identifiers: Orphanet 140162, MedGen C0027672, MeSH D009386, MONDO:0015356.
Tuberous sclerosis syndrome (TSC). Also called: Tuberous Sclerosis Complex; Tuberous sclerosis. Identifiers: Orphanet 805, MedGen C0041341, MONDO:0001734.

Allele frequency attached by ClinVar (database versions not stated): gnomAD 0.00003; TOPMed 0.00002.
gnomAD v4.1: 4 of 1,612,676 alleles (0.00025%); highest among the groups gnomAD compares: African/African-American, 0.0027%; no homozygotes.

Submissions (10):

Labcorp Genetics (formerly Invitae), Labcorp
Classification: Likely benign for Tuberous sclerosis 2. Last evaluated: 2025-10-29. Review status: criteria provided, single submitter. Criteria: Invitae Variant Classification Sherloc (09022015). Collection method: clinical testing. Allele origin: germline.

CeGaT Center for Human Genetics Tuebingen
Classification: Uncertain significance. Last evaluated: 2025-03-01. Review status: criteria provided, single submitter. Criteria: CeGaT Center For Human Genetics Tuebingen Variant Classification Criteria Version 2. Collection method: clinical testing. Allele origin: germline. Affected: yes. Observed: 3 variant alleles.
Comment: TSC2: PVS1:Moderate

Fulgent Genetics
Classification: Uncertain significance for Lymphangiomyomatosis; Isolated focal cortical dysplasia type II; Tuberous sclerosis 2. Last evaluated: 2024-05-21. Review status: criteria provided, single submitter. Criteria: ACMG Guidelines, 2015. Collection method: clinical testing. Allele origin: germline.

All of Us Research Program, National Institutes of Health
Classification: Uncertain significance for Tuberous sclerosis syndrome. Last evaluated: 2024-05-09. Review status: criteria provided, single submitter. Criteria: ACMG Guidelines, 2015. Collection method: clinical testing. Allele origin: germline. Inheritance: Autosomal dominant inheritance. Observed: 8 variant alleles, 8 heterozygotes.
Comment: This variant causes a G to C nucleotide substitution at the -1 position of intron 41 of the TSC2 gene. Splice site prediction tools suggest that this variant may have a significant impact on RNA splicing, although this prediction has not been confirmed in published RNA studies. To our knowledge, functional studies have not been reported for this variant. This variant has not been reported in individuals affected with TSC2-related disorders in the literature. This variant has been identified in 1/31376 chromosomes in the general population by the Genome Aggregation Database (gnomAD). The available evidence is insufficient to determine the role of this variant in disease conclusively. Therefore, this variant is classified as a Variant of Uncertain Significance.

This study involves interpretation of variants in research participants for the purpose of population health screening. Participant phenotype was not available at the time of variant classification. Additional details can be found in publication PMID: 35346344, PMCID: PMC8962531

Baylor Genetics
Classification: Uncertain significance for Isolated focal cortical dysplasia type II. Last evaluated: 2024-03-25. Review status: criteria provided, single submitter. Criteria: ACMG Guidelines, 2015. Collection method: clinical testing. Allele origin: unknown.

Color Diagnostics, LLC DBA Color Health
Classification: Uncertain significance for Tuberous sclerosis syndrome. Last evaluated: 2023-11-30. Review status: criteria provided, single submitter. Criteria: ACMG Guidelines, 2015. Collection method: clinical testing. Allele origin: germline.
Comment: This variant causes a G to C nucleotide substitution at the -1 position of intron 41 of the TSC2 gene. Splice site prediction tools suggest that this variant may have a significant impact on RNA splicing, although this prediction has not been confirmed in published RNA studies. To our knowledge, functional studies have not been reported for this variant. This variant has not been reported in individuals affected with TSC2-related disorders in the literature. This variant has been identified in 1/31376 chromosomes in the general population by the Genome Aggregation Database (gnomAD). The available evidence is insufficient to determine the role of this variant in disease conclusively. Therefore, this variant is classified as a Variant of Uncertain Significance.

Quest Diagnostics Nichols Institute San Juan Capistrano
Classification: Uncertain significance. Last evaluated: 2023-05-30. Review status: criteria provided, single submitter. Criteria: Quest Diagnostics criteria. Collection method: clinical testing. Allele origin: unknown.
Comment: This variant disrupts a canonical splice-acceptor site and is predicted to interfere with normal TSC2 mRNA splicing. In the published literature, this variant has been reported in an individual with an unspecified congenital heart defect (PMID: 33084842 (2021)). The frequency of this variant in the general population is uninformative in the assessment of its pathogenicity.

GeneDx
Classification: Uncertain significance. Last evaluated: 2023-05-03. Review status: criteria provided, single submitter. Criteria: GeneDx Variant Classification Process June 2021. Collection method: clinical testing. Allele origin: germline. Affected: yes.
Comment: Canonical splice site variant with an unclear effect on protein function; Identified via whole exome sequencing in an individual with congenital heart disease (Morton et al., 2021); This variant is associated with the following publications: (PMID: 33084842)

Ambry Genetics
Classification: Likely benign for Hereditary cancer-predisposing syndrome. Last evaluated: 2022-12-30. Review status: criteria provided, single submitter. Criteria: Ambry Variant Classification Scheme 2023. Collection method: clinical testing. Allele origin: germline.

Genome-Nilou Lab
Classification: Uncertain significance for Tuberous sclerosis 2. Last evaluated: 2021-11-07. Review status: criteria provided, single submitter. Criteria: ACMG Guidelines, 2015. Collection method: clinical testing. Allele origin: germline. Affected: no.

Literature cited by the submitters: PubMed 33084842 (cited by Quest Diagnostics Nichols Institute San Juan Capistrano).

NM_000548.5(TSC2):c.5260-1G>C

Gene: TSC2 (TSC complex subunit 2; plus strand). Cytogenetic location: 16p13.3.
Variant type: single nucleotide variant.
Coding change: c.5260-1G>C on transcript NM_000548.5 (MANE Select); the canonical splice acceptor site of the intron before coding-DNA position 5260, G replaced by C.
Molecular consequence: splice acceptor variant.
Genome position (GRCh38, 1-based): chr16:2,088,445, G>C. VCF-style: chr16-2088445-G-C. GRCh37 (hg19) VCF-style: chr16-2138446-G-C.
Other names: c.3718-1G>C (NM_001406693.1, NM_001406692.1, NM_001406694.1); c.5152-1G>C (NM_001406667.1); c.5149-1G>C (NM_001406668.1); c.4660-1G>C (NM_001406680.1); c.4591-1G>C (NM_001406683.1, NM_001406682.1); c.4459-1G>C (NM_001406687.1, NM_001406688.1); c.3847-1G>C (NM_001406689.1); c.3787-1G>C (NM_001406690.1); and 27 more.
Identifiers: ClinVar variation 372963 (VCV000372963.62), dbSNP rs1057518103, ClinGen allele CA16043000.
Genomic context (GRCh38, chr16:2,088,445, plus strand): 5'-GTGTGGGCAGAGCGGTTGCCACGCCTCCCAGACTTACTGCCCAAGCCGCCTCTGCCTTCA[G>C]ATCTGCGAGGAAGCCGCCTACTCCAACCCCAGCCTACCTCTGGTGCACCCTCCGTCCCAT-3'